The following is an entry in ClinVar:

ClinVar aggregate classification (germline): Uncertain significance. Review status: criteria provided, multiple submitters, no conflicts (2 of 4 stars). 7 submissions from 7 submitters: Uncertain significance (7). Last evaluated 2026-01-12.

Conditions:
Atrial fibrillation, familial, 7 (ATFB7). Identifiers: MedGen C2677106, MONDO:0012828, OMIM 612240.

Allele frequency attached by ClinVar (database versions not stated): ExAC 0.00016; gnomAD 0.00019 and 0.00020; TOPMed 0.00019; gnomAD exomes 0.00024.

Submissions (7):

Labcorp Genetics (formerly Invitae), Labcorp
Classification: Uncertain significance for Atrial fibrillation, familial, 7. Last evaluated: 2026-01-12. Review status: criteria provided, single submitter. Criteria: Invitae Variant Classification Sherloc (09022015). Collection method: clinical testing. Allele origin: germline.
Comment: This sequence change replaces glutamic acid, which is acidic and polar, with valine, which is neutral and non-polar, at codon 33 of the KCNA5 protein (p.Glu33Val). This variant is present in population databases (rs71584818, gnomAD 0.04%). This missense change has been observed in individual(s) with clinical features of KCNA5-related conditions (PMID: 17266934, 26383259, 33789662). ClinVar contains an entry for this variant (Variation ID: 537313). An algorithm developed to predict the effect of missense changes on protein structure and function (PolyPhen-2) suggests that this variant is likely to be tolerated. Experimental studies have shown that this missense change does not substantially affect KCNA5 function (PMID: 17266934). In summary, the available evidence is currently insufficient to determine the role of this variant in disease. Therefore, it has been classified as a Variant of Uncertain Significance.

Women's Health and Genetics/Laboratory Corporation of America, LabCorp
Classification: Uncertain significance. Last evaluated: 2026-01-08. Review status: criteria provided, single submitter. Criteria: LabCorp Variant Classification Summary - May 2015. Collection method: clinical testing. Allele origin: germline.
Comment: Variant summary: KCNA5 c.98A>T (p.Glu33Val) results in a non-conservative amino acid change in the encoded protein sequence. Algorithms developed to predict the effect of missense changes on protein structure and function are either unavailable or do not agree on the potential impact of this missense change. The variant allele was found at a frequency of 0.00024 in 135884 control chromosomes. The observed variant frequency exceeds the estimated maximal expected allele frequency for disease-causing variants in KCNA5. c.98A>T has been observed in individual(s) affected with Atrial Fibrillation and Sudden Unexplained Death (e.g. Nielsen_2007, Schon_2021). These report(s) do not provide unequivocal conclusions about association of the variant with Atrial Fibrillation. At least one publication reports experimental evidence evaluating an impact on protein function. These results showed no damaging effect of this variant (Nielsen_2007). ClinVar contains an entry for this variant (Variation ID: 537313). Based on the evidence outlined above, the variant was classified as uncertain significance.

GeneDx
Classification: Uncertain significance. Last evaluated: 2023-04-14. Review status: criteria provided, single submitter. Criteria: GeneDx Variant Classification Process June 2021. Collection method: clinical testing. Allele origin: germline. Affected: yes.
Comment: Reported in patients with cardiac arrest (Nielsen et al., 2007; Hertz et al., 2016) and in an infant with sudden unexplained death (SUD) in published literature (Schon et al., 2021); Functional characterization is inconclusive regarding the pathogenicity of this variant (Nielsen et al., 2007); In silico analysis supports that this missense variant does not alter protein structure/function; This variant is associated with the following publications: (PMID: 17266934, 26383259, 24068186, 33789662, 34104323)

Neuberg Centre For Genomic Medicine, NCGM
Classification: Uncertain significance for Atrial fibrillation, familial, 7. Last evaluated: 2023-02-14. Review status: criteria provided, single submitter. Criteria: ACMG Guidelines, 2015. Collection method: clinical testing. Allele origin: germline. Inheritance: Autosomal dominant inheritance. Affected: yes.

Fulgent Genetics
Classification: Uncertain significance for Atrial fibrillation, familial, 7. Last evaluated: 2021-09-13. Review status: criteria provided, single submitter. Criteria: ACMG Guidelines, 2015. Collection method: clinical testing. Allele origin: unknown.

Illumina Laboratory Services, Illumina
Classification: Uncertain significance for Atrial fibrillation, familial, 7. Last evaluated: 2017-06-19. Review status: criteria provided, single submitter. Criteria: ICSL Variant Classification Criteria 13 December 2019. Collection method: clinical testing. Allele origin: germline.
Comment: This variant was observed as part of a predisposition screen in an ostensibly healthy population. A literature search was performed for the gene, cDNA change, and amino acid change (where applicable). Publications were found based on this search. However, the evidence from the literature, in combination with allele frequency data from public databases where available, was not sufficient to rule this variant in or out of causing disease. Therefore, this variant is classified as a variant of unknown significance.

Breakthrough Genomics
Classification: Uncertain significance. Review status: criteria provided, single submitter. Criteria: ACMG Guidelines, 2015. Collection method: not provided. Allele origin: germline. Inheritance: Autosomal dominant inheritance. Affected: yes.

Literature cited by the submitters: PubMed 17266934 (cited by 3 submitters); PubMed 26383259 (cited by Labcorp Genetics (formerly Invitae), Labcorp and Illumina Laboratory Services, Illumina); PubMed 33789662 (cited by Labcorp Genetics (formerly Invitae), Labcorp and Women's Health and Genetics/Laboratory Corporation of America, LabCorp).

NM_002234.4(KCNA5):c.98A>T (p.Glu33Val)

Gene: KCNA5 (potassium voltage-gated channel subfamily A member 5; plus strand). Cytogenetic location: 12p13.32.
Variant type: single nucleotide variant.
Coding change: c.98A>T on transcript NM_002234.4 (MANE Select); coding-DNA position 98, A replaced by T.
Protein change: p.Glu33Val; replaces glutamic acid 33 with valine.
Molecular consequence: missense variant.
Genome position (GRCh38, 1-based): chr12:5,044,245, A>T. VCF-style: chr12-5044245-A-T. GRCh37 (hg19) VCF-style: chr12-5153411-A-T.
Other names: short protein forms E33V.
Identifiers: ClinVar variation 537313 (VCV000537313.19), dbSNP rs71584818, ClinGen allele CA6399540.